The following is an entry in ClinVar:

ClinVar aggregate classification (germline): Likely benign (1 of 4 stars; one submission).

Allele frequency attached by ClinVar (database versions not stated): 1000 Genomes Project 0.00140; 1000 Genomes Project 30x 0.00156; ExAC 0.00524; TOPMed 0.00532; gnomAD 0.00556; ESP Exome Variant Server 0.00697; gnomAD exomes 0.00800.
gnomAD v4.1: 12,462 of 1,606,536 alleles (0.78%); highest among the groups gnomAD compares: Non-Finnish European, 0.92%; 68 homozygotes.

Submission:

CeGaT Center for Human Genetics Tuebingen
Classification: Likely benign. Last evaluated: 2024-08-01. Review status: criteria provided, single submitter. Criteria: CeGaT Center For Human Genetics Tuebingen Variant Classification Criteria Version 2. Collection method: clinical testing. Allele origin: germline. Affected: yes. Observed: 2 variant alleles.
Comment: DRICH1: BP4, BP7, BS2

NM_016449.4(DRICH1):c.621C>T (p.His207=)

Gene: DRICH1 (aspartate rich 1; minus strand). Cytogenetic location: 22q11.23.
Variant type: single nucleotide variant.
Coding change: c.621C>T on transcript NM_016449.4 (MANE Select); coding-DNA position 621, C replaced by T.
Protein change: p.His207=; no amino-acid change (histidine 207 retained).
Molecular consequence: synonymous variant.
Genome position (GRCh38, 1-based): chr22:23,614,135, G>A on the plus strand (C>T on the coding strand, the complement: DRICH1 is on the minus strand). VCF-style: chr22-23614135-G-A. GRCh37 (hg19) VCF-style: chr22-23956322-G-A.
Identifiers: ClinVar variation 2652966 (VCV002652966.24), dbSNP rs74953418, ClinGen allele CA10143542.